The following is an entry in ClinVar:

NM_002878.4(RAD51D):c.264-14T>C

Genes: RAD51L3-RFFL (RAD51L3-RFFL readthrough; minus strand), RAD51D (RAD51 paralog D; minus strand). Cytogenetic location: 17q12.
Variant type: single nucleotide variant.
Coding change: c.264-14T>C on transcript NM_002878.4 (MANE Select); 14 bases into the intron before coding-DNA position 264, T replaced by C.
Molecular consequence: intron variant.
Genome position (GRCh38, 1-based): chr17:35,107,461, A>G on the plus strand (T>C on the coding strand, the complement: RAD51D is on the minus strand). VCF-style: chr17-35107461-A-G. GRCh37 (hg19) VCF-style: chr17-33434480-A-G.
Other names: c.145-980T>C (NM_133629.3); c.324-14T>C (NM_001142571.2).
Identifiers: ClinVar variation 3903459 (VCV003903459.1).

ClinVar aggregate classification (germline): Likely benign (1 of 4 stars; one submission).

Conditions:
Breast-ovarian cancer, familial, susceptibility to, 4. Identifiers: Orphanet 145, MedGen C3280345, MONDO:0013669, OMIM 614291.

Submission:

Myriad Genetics, Inc.
Classification: Likely benign for Breast-ovarian cancer, familial, susceptibility to, 4. Last evaluated: 2025-02-20. Review status: criteria provided, single submitter. Criteria: Myriad Autosomal Dominant, Autosomal Recessive and X-Linked Classification Criteria (2023). Collection method: clinical testing. Allele origin: unknown.
Comment: This variant is considered likely benign. This variant is intronic and is not expected to impact mRNA splicing.